The following is an entry in ClinVar:

ClinVar aggregate classification (germline): Likely benign. Review status: criteria provided, multiple submitters, no conflicts (2 of 4 stars). 2 submissions from 2 submitters: Likely benign (2). Last evaluated 2018-06-14.

Allele frequency attached by ClinVar (database versions not stated): gnomAD exomes 0.02226; gnomAD 0.02305 and 0.02347; TOPMed 0.02356; 1000 Genomes Project 0.02656; 1000 Genomes Project 30x 0.02780.
gnomAD v4.1: 26,402 of 1,169,392 alleles (2.3%); highest among the groups gnomAD compares: East Asian, 3.4%; 337 homozygotes.

Submissions (2):

GeneDx
Classification: Likely benign. Last evaluated: 2018-06-14. Review status: criteria provided, single submitter. Criteria: GeneDx Variant Classification (06012015). Collection method: clinical testing. Allele origin: germline. Affected: yes.
Comment: This variant is considered likely benign or benign based on one or more of the following criteria: it is a conservative change, it occurs at a poorly conserved position in the protein, it is predicted to be benign by multiple in silico algorithms, and/or has population frequency not consistent with disease.

Breakthrough Genomics
Classification: Likely benign. Review status: criteria provided, single submitter. Criteria: ACMG Guidelines, 2015. Collection method: not provided. Allele origin: germline. Inheritance: Autosomal dominant inheritance. Affected: yes.

NM_000093.5(COL5A1):c.3367-86C>T

Gene: COL5A1 (collagen type V alpha 1 chain; plus strand). Cytogenetic location: 9q34.3.
Variant type: single nucleotide variant.
Coding change: c.3367-86C>T on transcript NM_000093.5 (MANE Select); 86 bases into the intron before coding-DNA position 3367, C replaced by T.
Molecular consequence: intron variant.
Genome position (GRCh38, 1-based): chr9:134,809,097, C>T. VCF-style: chr9-134809097-C-T. GRCh37 (hg19) VCF-style: chr9-137700943-C-T.
Other names: c.3367-86C>T (NM_001278074.1).
Identifiers: ClinVar variation 674564 (VCV000674564.2), dbSNP rs62571406, ClinGen allele CA201085114.